The following is an entry in ClinVar:

NM_000191.3(HMGCL):c.724_725del (p.Leu242fs)

Gene: HMGCL (3-hydroxy-3-methylglutaryl-CoA lyase; minus strand). Cytogenetic location: 1p36.11.
Variant type: Deletion.
Coding change: c.724_725del on transcript NM_000191.3 (MANE Select); coding-DNA positions 724 to 725, 2 bases deleted (CT; older notation c.724_725delCT).
Protein change: p.Leu242fs; shifts the reading frame from leucine 242.
Molecular consequence: frameshift variant.
Genome position (GRCh38, 1-based): chr1:23,808,160-23,808,161, AG deleted on the plus strand (CT on the coding strand, the reverse complement: HMGCL is on the minus strand). VCF-style (leftmost placement, unchanged base first): chr1-23808159-CAG-C. GRCh37 (hg19) VCF-style: chr1-24134649-CAG-C.
Other names: c.511_512del, p.Leu171fs (NM_001166059.2); short protein forms L171fs, L242fs.
Identifiers: ClinVar variation 3016011 (VCV003016011.3), dbSNP rs774211779, ClinGen allele CA685999.

ClinVar aggregate classification (germline): Pathogenic (1 of 4 stars; one submission).

Conditions:
Deficiency of hydroxymethylglutaryl-CoA lyase (HMGCLD). Also called: Defect in leucine metabolism; 3-hydroxy-3-methylglutaric aciduria; HMGCL DEFICIENCY; HYDROXYMETHYLGLUTARIC ACIDURIA; HMG-CoA LYASE DEFICIENCY. Identifiers: Orphanet 20, MedGen C1533587, MONDO:0009520, OMIM 246450.

Allele frequency attached by ClinVar (database versions not stated): TOPMed below 0.00001; ExAC 0.00001; gnomAD 0.00001.

Submission:

Labcorp Genetics (formerly Invitae), Labcorp
Classification: Pathogenic for Deficiency of hydroxymethylglutaryl-CoA lyase. Last evaluated: 2023-11-06. Review status: criteria provided, single submitter. Criteria: Invitae Variant Classification Sherloc (09022015). Collection method: clinical testing. Allele origin: germline.
Comment: This sequence change creates a premature translational stop signal (p.Leu242Glyfs*73) in the HMGCL gene. While this is not anticipated to result in nonsense mediated decay, it is expected to disrupt the last 84 amino acid(s) of the HMGCL protein. This variant is present in population databases (rs774211779, gnomAD 0.01%). This variant has not been reported in the literature in individuals affected with HMGCL-related conditions. This variant disrupts a region of the HMGCL protein in which other variant(s) (p.Phe305Tyrfs*10) have been determined to be pathogenic (PMID: 2443756, 6085636, 9463337). This suggests that this is a clinically significant region of the protein, and that variants that disrupt it are likely to be disease-causing. For these reasons, this variant has been classified as Pathogenic.

Literature cited by the submitters: PubMed 2443756; PubMed 6085636; PubMed 9463337.